The following is an entry in ClinVar:

NM_018684.4(ZC4H2):c.397G>T (p.Asp133Tyr)

Gene: ZC4H2 (zinc finger C4H2-type containing; minus strand). Cytogenetic location: Xq11.2.
Variant type: single nucleotide variant.
Coding change: c.397G>T on transcript NM_018684.4 (MANE Select); coding-DNA position 397, G replaced by T.
Protein change: p.Asp133Tyr; replaces aspartic acid 133 with tyrosine.
Molecular consequence: missense variant. On other transcripts: nonsense (1), non-coding transcript variant (1).
Genome position (GRCh38, 1-based): chrX:64,920,082, C>A on the plus strand (G>T on the coding strand, the complement: ZC4H2 is on the minus strand). VCF-style: chrX-64920082-C-A. GRCh37 (hg19) VCF-style: chrX-64139962-C-A.
Other names: c.328G>T, p.Asp110Tyr (NM_001178032.3, NM_001243804.2); c.397G>T, p.Glu133Ter (NM_001178033.3); short protein forms D110Y, D133Y, E133*.
Identifiers: ClinVar variation 4755835 (VCV004755835.1).
Genomic context (GRCh38, chrX:64,920,082, plus strand): 5'-AAGTATGTATGTGGGTCGGAGGGAGGGTATGTTGTAGGGACTGGGGGCAGGTAGCTTACT[C>A]CAAGGAAAGCTTCTCCTCTTCTTCACACAAGTCAGGGAGCCTCTGCAGGCCCAGAGTCAT-3'
Protein context (NP_061154.1, residues 123-143): LCEEEEKLSL[Asp133Tyr]YFEKQKAEWQ

ClinVar aggregate classification (germline): Uncertain significance (1 of 4 stars; one submission).

Submission:

GeneDx
Classification: Uncertain significance. Last evaluated: 2025-08-04. Review status: criteria provided, single submitter. Criteria: GeneDx Variant Classification Process June 2021. Collection method: clinical testing. Allele origin: germline. Affected: yes.
Comment: Not observed at significant frequency in large population cohorts (gnomAD); In silico analysis supports that this missense variant has a deleterious effect on protein structure/function; Has not been previously published as pathogenic or benign to our knowledge